The following is an entry in ClinVar:

ClinVar aggregate classification (germline): Uncertain significance (1 of 4 stars; one submission).

Allele frequency attached by ClinVar (database versions not stated): TOPMed 0.00003; gnomAD 0.00004; gnomAD exomes 0.00009 and 0.00010; ExAC 0.00010.

Submission:

Labcorp Genetics (formerly Invitae), Labcorp
Classification: Uncertain significance. Last evaluated: 2021-09-01. Review status: criteria provided, single submitter. Criteria: Invitae Variant Classification Sherloc (09022015). Collection method: clinical testing. Allele origin: germline.
Comment: This sequence change replaces proline with leucine at codon 160 of the CFAP298 protein (p.Pro160Leu). The proline residue is highly conserved and there is a moderate physicochemical difference between proline and leucine. This variant is present in population databases (rs758717431, ExAC 0.01%). This variant has not been reported in the literature in individuals affected with CFAP298-related conditions. Algorithms developed to predict the effect of missense changes on protein structure and function (SIFT, PolyPhen-2, Align-GVGD) all suggest that this variant is likely to be disruptive. In summary, the available evidence is currently insufficient to determine the role of this variant in disease. Therefore, it has been classified as a Variant of Uncertain Significance.

NM_021254.4(CFAP298):c.479C>T (p.Pro160Leu)

Genes: CFAP298 (cilia and flagella associated protein 298; minus strand), CFAP298-TCP10L (CFAP298-TCP10L readthrough; minus strand). Cytogenetic location: 21q22.11.
Variant type: single nucleotide variant.
Coding change: c.479C>T on transcript NM_021254.4 (MANE Select); coding-DNA position 479, C replaced by T.
Protein change: p.Pro160Leu; replaces proline 160 with leucine.
Molecular consequence: missense variant. On other transcripts: non-coding transcript variant (2).
Genome position (GRCh38, 1-based): chr21:32,604,180, G>A on the plus strand (C>T on the coding strand, the complement: CFAP298 is on the minus strand). VCF-style: chr21-32604180-G-A. GRCh37 (hg19) VCF-style: chr21-33976490-G-A.
Other names: c.479C>T, p.Pro160Leu (NM_001350338.2, NM_001350335.2, NM_001350336.2 and 1 more transcripts); c.182C>T, p.Pro61Leu (NM_001350334.2); short protein forms P160L, P61L.
Identifiers: ClinVar variation 957420 (VCV000957420.6), dbSNP rs758717431, ClinGen allele CA10002850.